The following is an entry in ClinVar:

NM_001080442.3(SLC38A8):c.896G>A (p.Arg299Gln)

Gene: SLC38A8 (solute carrier family 38 member 8; minus strand). Cytogenetic location: 16q23.3.
Variant type: single nucleotide variant.
Coding change: c.896G>A on transcript NM_001080442.3 (MANE Select); coding-DNA position 896, G replaced by A.
Protein change: p.Arg299Gln; replaces arginine 299 with glutamine.
Molecular consequence: missense variant.
Genome position (GRCh38, 1-based): chr16:84,017,197, C>T on the plus strand (G>A on the coding strand, the complement: SLC38A8 is on the minus strand). VCF-style: chr16-84017197-C-T. GRCh37 (hg19) VCF-style: chr16-84050802-C-T.
Other names: short protein forms R299Q.
Identifiers: ClinVar variation 1950256 (VCV001950256.2), dbSNP rs746728263, ClinGen allele CA8199932.

ClinVar aggregate classification (germline): Uncertain significance (1 of 4 stars; one submission).

Allele frequency attached by ClinVar (database versions not stated): ExAC 0.00002.

Submission:

Labcorp Genetics (formerly Invitae), Labcorp
Classification: Uncertain significance. Last evaluated: 2022-05-31. Review status: criteria provided, single submitter. Criteria: Invitae Variant Classification Sherloc (09022015). Collection method: clinical testing. Allele origin: germline.
Comment: This sequence change replaces arginine, which is basic and polar, with glutamine, which is neutral and polar, at codon 299 of the SLC38A8 protein (p.Arg299Gln). This variant is present in population databases (rs746728263, gnomAD 0.003%). This variant has not been reported in the literature in individuals affected with SLC38A8-related conditions. Algorithms developed to predict the effect of missense changes on protein structure and function (SIFT, PolyPhen-2, Align-GVGD) all suggest that this variant is likely to be disruptive. In summary, the available evidence is currently insufficient to determine the role of this variant in disease. Therefore, it has been classified as a Variant of Uncertain Significance.